The following is an entry in ClinVar:

ClinVar aggregate classification (germline): Uncertain significance (1 of 4 stars; one submission).

Conditions:
Myoclonic dystonia 11 (DYT11). Also called: SGCE Myoclonus-Dystonia; Myoclonus-Dystonia; Myoclonic dystonia; Dystonia 11; Dystonia, alcohol responsive; Hereditary essential myoclonus. Identifiers: Orphanet 36899, MedGen C1834570, MONDO:0008044, OMIM 159900.

Allele frequency attached by ClinVar (database versions not stated): TOPMed below 0.00001; gnomAD 0.00001.
gnomAD v4.1: 2 of 1,609,708 alleles (0.00012%); highest among the groups gnomAD compares: African/African-American, 0.0013%; no homozygotes.

Submission:

Labcorp Genetics (formerly Invitae), Labcorp
Classification: Uncertain significance for Myoclonic dystonia 11. Last evaluated: 2024-02-17. Review status: criteria provided, single submitter. Criteria: Invitae Variant Classification Sherloc (09022015). Collection method: clinical testing. Allele origin: germline.
Comment: This sequence change replaces aspartic acid, which is acidic and polar, with histidine, which is basic and polar, at codon 355 of the SGCE protein (p.Asp355His). This variant is not present in population databases (gnomAD no frequency). This variant has not been reported in the literature in individuals affected with SGCE-related conditions. ClinVar contains an entry for this variant (Variation ID: 1008128). An algorithm developed to predict the effect of missense changes on protein structure and function (PolyPhen-2) suggests that this variant is likely to be disruptive. In summary, the available evidence is currently insufficient to determine the role of this variant in disease. Therefore, it has been classified as a Variant of Uncertain Significance.

NM_003919.3(SGCE):c.1063G>C (p.Asp355His)

Genes: CASD1 (CAS1 domain sialic acid O acetyltransferase 1; plus strand), SGCE (sarcoglycan epsilon; minus strand). Cytogenetic location: 7q21.3.
Variant type: single nucleotide variant.
Coding change: c.1063G>C on transcript NM_003919.3 (MANE Select); coding-DNA position 1063, G replaced by C.
Protein change: p.Asp355His; replaces aspartic acid 355 with histidine.
Molecular consequence: missense variant. On other transcripts: intron variant (6).
Genome position (GRCh38, 1-based): chr7:94,599,698, C>G on the plus strand (G>C on the coding strand, the complement: SGCE is on the minus strand). VCF-style: chr7-94599698-C-G. GRCh37 (hg19) VCF-style: chr7-94229010-C-G.
Other names: c.1063G>C, p.Asp355His (NM_001099401.2); c.940G>C, p.Asp314His (NM_001301139.2); c.1171G>C, p.Asp391His (NM_001346713.2); c.976G>C, p.Asp326His (NM_001346719.2); c.790G>C, p.Asp264His (NM_001346720.2); c.915-735G>C (NM_001362809.2); c.1038-735G>C (NM_001346717.2, NM_001099400.2); c.1146-735G>C (NM_001346715.2); and 2 more; short protein forms D264H, D314H, D326H, D355H, D391H.
Identifiers: ClinVar variation 1008128 (VCV001008128.8), dbSNP rs1798915911, ClinGen allele CA368229521.